The following is an entry in ClinVar:

NM_015512.5(DNAH1):c.6212T>G (p.Leu2071Arg)

Gene: DNAH1 (dynein axonemal heavy chain 1; plus strand). Cytogenetic location: 3p21.1.
Variant type: single nucleotide variant.
Coding change: c.6212T>G on transcript NM_015512.5 (MANE Select); coding-DNA position 6212, T replaced by G.
Protein change: p.Leu2071Arg; replaces leucine 2071 with arginine.
Molecular consequence: missense variant.
Genome position (GRCh38, 1-based): chr3:52,370,183, T>G. VCF-style: chr3-52370183-T-G. GRCh37 (hg19) VCF-style: chr3-52404199-T-G.
Other names: c.6212T>G (NM_015512.4); short protein forms L2071R.
Identifiers: ClinVar variation 1493548 (VCV001493548.16), dbSNP rs757396103, ClinGen allele CA2434454.

ClinVar aggregate classification (germline): Conflicting classifications of pathogenicity. Review status: criteria provided, conflicting classifications (1 of 4 stars). 7 submissions from 7 submitters: Pathogenic (1); Likely pathogenic (3); Uncertain significance (3). Last evaluated 2025-10-15.

Conditions:
Spermatogenic failure 18. Identifiers: MedGen C4539783, MONDO:0054615, OMIM 617576.
Ciliary dyskinesia, primary, 37 (CILD37). Also called: CILIARY DYSKINESIA, PRIMARY, 37, WITH OR WITHOUT SITUS INVERSUS. Identifiers: MedGen C4539798, MONDO:0033204, OMIM 617577.
DNAH1-related disorder. Also called: DNAH1-related condition.
Primary ciliary dyskinesia. Also called: Ciliary dyskinesia. Identifiers: Orphanet 244, MedGen C0008780, MONDO:0016575, HP:0012265.

Allele frequency attached by ClinVar (database versions not stated): ExAC 0.00014; gnomAD 0.00018 and 0.00017; gnomAD exomes 0.00020 and 0.00022; TOPMed 0.00021.
gnomAD v4.1: 355 of 1,613,870 alleles (0.022%); highest among the groups gnomAD compares: South Asian, 0.034%; 1 homozygote.

Submissions (7):

Labcorp Genetics (formerly Invitae), Labcorp
Classification: Pathogenic for Ciliary dyskinesia, primary, 37; Spermatogenic failure 18. Last evaluated: 2025-10-15. Review status: criteria provided, single submitter. Criteria: Invitae Variant Classification Sherloc (09022015). Collection method: clinical testing. Allele origin: germline.
Comment: This sequence change replaces leucine, which is neutral and non-polar, with arginine, which is basic and polar, at codon 2071 of the DNAH1 protein (p.Leu2071Arg). This variant is present in population databases (rs757396103, gnomAD 0.1%). This missense change has been observed in individuals with clinical features of primary ciliary dyskinesia and/or multiple morphological abnormalities of sperm flagella (PMID: 28577616, 34867808; internal data). It has also been observed to segregate with disease in related individuals. ClinVar contains an entry for this variant (Variation ID: 1493548). Invitae Evidence Modeling of protein sequence and biophysical properties (such as structural, functional, and spatial information, amino acid conservation, physicochemical variation, residue mobility, and thermodynamic stability) indicates that this missense variant is expected to disrupt DNAH1 protein function with a positive predictive value of 80%. Studies have shown that this missense change alters DNAH1 gene expression (PMID: 34867808). For these reasons, this variant has been classified as Pathogenic.

First Genomix Gene Laboratory, Genetic Diagnostics Department
Classification: Likely pathogenic for Ciliary dyskinesia, primary, 37; Spermatogenic failure 18. Last evaluated: 2025-06-02. Review status: criteria provided, single submitter. Criteria: ACMG Guidelines, 2015. Collection method: clinical testing. Allele origin: germline. Inheritance: Autosomal recessive inheritance. Affected: no. Observed: 1 variant allele.

PreventionGenetics, part of Exact Sciences
Classification: Likely pathogenic for DNAH1-related condition. Last evaluated: 2025-03-24. Review status: criteria provided, single submitter. Criteria: ACMG Guidelines, 2015. Collection method: clinical testing. Allele origin: germline.
Comment: The DNAH1 c.6212T>G variant is predicted to result in the amino acid substitution p.Leu2071Arg. This variant has been reported in the homozygous state and along with a second DNAH1 variant in individuals with dysplasia of the sperm fibrous sheath (DFS; Sha et al. 2017. PubMed ID: 28577616; Khan et al. 2021. PubMed ID: 34867808; Tang et al. 2017. PubMed ID: 28552195). This variant was found to co-segregate with disease in one family with DFS, and structural and molecular analysis of sperm samples indicated a deleterious affect on axonemal structures (Khan et al. 2021. PubMed ID: 34867808). This variant is reported in 0.13% of alleles in individuals of Ashkenazi Jewish descent in gnomAD. This variant is classified as likely pathogenic.

Blueprint Genetics
Classification: Uncertain significance. Last evaluated: 2024-04-18. Review status: criteria provided, single submitter. Criteria: ACMG Guidelines, 2015. Collection method: clinical testing. Allele origin: germline.

Department of Pathology and Laboratory Medicine, Sinai Health System
Classification: Uncertain significance for Primary ciliary dyskinesia. Last evaluated: 2023-09-27. Review status: criteria provided, single submitter. Criteria: ACMG Guidelines, 2015. Collection method: research. Allele origin: germline.

Fulgent Genetics
Classification: Uncertain significance for Spermatogenic failure 18; Ciliary dyskinesia, primary, 37. Last evaluated: 2022-04-29. Review status: criteria provided, single submitter. Criteria: ACMG Guidelines, 2015. Collection method: clinical testing. Allele origin: unknown.

Juno Genomics, Hangzhou Juno Genomics, Inc
Classification: Likely pathogenic for Spermatogenic failure 18; Ciliary dyskinesia, primary, 37. Review status: criteria provided, single submitter. Criteria: ACMG Guidelines, 2015. Collection method: clinical testing. Allele origin: germline. Affected: yes.
Comment: Absent from controls (or at extremely low frequency if recessive) in Genome Aggregation Database.;For recessive disorders, detected in trans with a pathogenic variant.;Co-segregation with disease in multiple affected family members.;Patient's phenotype or family history is highly specific for a disease with a single genetic etiology.

Literature cited by the submitters: PubMed 28577616 (cited by Labcorp Genetics (formerly Invitae), Labcorp); PubMed 34867808 (cited by Labcorp Genetics (formerly Invitae), Labcorp).